The following is an entry in ClinVar:

ClinVar aggregate classification (germline): Uncertain significance (3 of 4 stars; one submission).

Conditions:
Glanzmann thrombasthenia. Also called: PLATELET GLYCOPROTEIN IIb-IIIa DEFICIENCY; BLEEDING DISORDER, PLATELET-TYPE, 2; THROMBASTHENIA OF GLANZMANN AND NAEGELI; Thrombasthenia; Glanzmann's thrombasthenia. Identifiers: Orphanet 849, MedGen C0040015, MONDO:0100326.

Submission:

ClinGen Platelet Disorders Variant Curation Expert Panel, ClinGen
Classification: Uncertain significance for Glanzmann thrombasthenia. Last evaluated: 2022-12-01. Review status: reviewed by expert panel. Criteria: ClinGen Platelet ACMG Specifications v2-1. Collection method: curation. Allele origin: germline. Inheritance: Autosomal recessive inheritance.
Comment: The NM_000419.5(ITGA2B):c.859G>C (p.Gly287Arg) missense variant has been reported in at least one patient (Patient 5 in PMID:19172520/GT database record 162) who displayed mucocutaneous bleeding and impaired aggregation with all agonists except ristocetin, which is highly specific for Glanzmann thrombasthenia (PP4_moderate). Additionally, αIIbβ3 surface expression was reduced to <10%, as measured by flow cytometry. Patient 5 (PMID: 19172520/GT database record 162) is homozygous for this variant (0.5pt; PM3_Supporting). This variant is absent from gnomAD v2.1.1 (PM2_Supporting). In summary, this variant meets the criteria to be classified as uncertain significance for autosomal recessive Glanzmann Thrombasthenia based on the ACMG/AMP criteria applied, as specified by the ClinGen PD VCEP: PP4_Moderate, PM2_Supporting, PM3_Supporting (VCEP specifications version 2.1).

NM_000419.5(ITGA2B):c.859G>C (p.Gly287Arg)

Gene: ITGA2B (integrin subunit alpha 2b; minus strand). Cytogenetic location: 17q21.31.
Variant type: single nucleotide variant.
Coding change: c.859G>C on transcript NM_000419.5 (MANE Select); coding-DNA position 859, G replaced by C.
Protein change: p.Gly287Arg; replaces glycine 287 with arginine.
Molecular consequence: missense variant.
Genome position (GRCh38, 1-based): chr17:44,384,343, C>G on the plus strand (G>C on the coding strand, the complement: ITGA2B is on the minus strand). VCF-style: chr17-44384343-C-G. GRCh37 (hg19) VCF-style: chr17-42461711-C-G.
Other names: NM_000419.5:c.859G>C; short protein forms G287R.
Identifiers: ClinVar variation 1879056 (VCV001879056.1), dbSNP rs571550200, ClinGen allele CA399805008.